The following is an entry in ClinVar:

NM_004187.5(KDM5C):c.1378C>T (p.Arg460Trp)

Gene: KDM5C (lysine demethylase 5C; minus strand). Cytogenetic location: Xp11.22.
Variant type: single nucleotide variant.
Coding change: c.1378C>T on transcript NM_004187.5 (MANE Select); coding-DNA position 1378, C replaced by T.
Protein change: p.Arg460Trp; replaces arginine 460 with tryptophan.
Molecular consequence: missense variant. On other transcripts: non-coding transcript variant (3).
Genome position (GRCh38, 1-based): chrX:53,211,520, G>A on the plus strand (C>T on the coding strand, the complement: KDM5C is on the minus strand). VCF-style: chrX-53211520-G-A. GRCh37 (hg19) VCF-style: chrX-53240702-G-A.
Other names: c.1177C>T, p.Arg393Trp (NM_001146702.2); c.1375C>T, p.Arg459Trp (NM_001282622.3, NM_001353979.2, NM_001353982.2); c.1378C>T, p.Arg460Trp (NM_001353978.3, NM_001353981.2, NM_001353984.2); short protein forms R459W, R393W, R460W.
Identifiers: ClinVar variation 2919439 (VCV002919439.3), dbSNP rs372082304, ClinGen allele CA10419542.

ClinVar aggregate classification (germline): Uncertain significance (1 of 4 stars; one submission).

Conditions:
Spastic paraplegia. Identifiers: MedGen C0037772, HP:0001258.

Allele frequency attached by ClinVar (database versions not stated): gnomAD 0.00001; gnomAD exomes 0.00001; ExAC 0.00002; ESP Exome Variant Server 0.00009.
gnomAD v4.1: 17 of 1,210,071 alleles (0.0014%); highest among the groups gnomAD compares: East Asian, 0.003%; no homozygotes.

Submission:

Labcorp Genetics (formerly Invitae), Labcorp
Classification: Uncertain significance for Spastic paraplegia. Last evaluated: 2024-05-06. Review status: criteria provided, single submitter. Criteria: Invitae Variant Classification Sherloc (09022015). Collection method: clinical testing. Allele origin: germline.
Comment: This sequence change replaces arginine, which is basic and polar, with tryptophan, which is neutral and slightly polar, at codon 460 of the KDM5C protein (p.Arg460Trp). This variant is present in population databases (rs372082304, gnomAD 0.01%). This variant has not been reported in the literature in individuals affected with KDM5C-related conditions. Advanced modeling of protein sequence and biophysical properties (such as structural, functional, and spatial information, amino acid conservation, physicochemical variation, residue mobility, and thermodynamic stability) has been performed at Invitae for this missense variant, however the output from this modeling did not meet the statistical confidence thresholds required to predict the impact of this variant on KDM5C protein function. In summary, the available evidence is currently insufficient to determine the role of this variant in disease. Therefore, it has been classified as a Variant of Uncertain Significance.